The following is an entry in ClinVar:

NM_139242.4(MTFMT):c.632_633del (p.Leu211fs)

Gene: MTFMT (mitochondrial methionyl-tRNA formyltransferase; minus strand). Cytogenetic location: 15q22.31.
Variant type: Deletion.
Coding change: c.632_633del on transcript NM_139242.4 (MANE Select); coding-DNA positions 632 to 633, 2 bases deleted (TG; older notation c.632_633delTG).
Protein change: p.Leu211fs; shifts the reading frame from leucine 211.
Molecular consequence: frameshift variant.
Genome position (GRCh38, 1-based): chr15:65,021,526-65,021,527, CA deleted on the plus strand (TG on the coding strand, the reverse complement: MTFMT is on the minus strand). VCF-style (leftmost placement, unchanged base first): chr15-65021525-CCA-C. GRCh37 (hg19) VCF-style: chr15-65313863-CCA-C.
Other names: short protein forms L211fs.
Identifiers: ClinVar variation 2014351 (VCV002014351.4), dbSNP rs2506161488, ClinGen allele CA2580089860.

ClinVar aggregate classification (germline): Pathogenic (1 of 4 stars; one submission).

Allele frequency attached by ClinVar (database versions not stated): gnomAD exomes 0.00001.

Submission:

Labcorp Genetics (formerly Invitae), Labcorp
Classification: Pathogenic. Last evaluated: 2022-07-06. Review status: criteria provided, single submitter. Criteria: Invitae Variant Classification Sherloc (09022015). Collection method: clinical testing. Allele origin: germline.
Comment: For these reasons, this variant has been classified as Pathogenic. This variant has not been reported in the literature in individuals affected with MTFMT-related conditions. This variant is not present in population databases (gnomAD no frequency). This sequence change creates a premature translational stop signal (p.Leu211Argfs*14) in the MTFMT gene. It is expected to result in an absent or disrupted protein product. Loss-of-function variants in MTFMT are known to be pathogenic (PMID: 21907147, 24461907).

Literature cited by the submitters: PubMed 21907147; PubMed 24461907.